The following is an entry in ClinVar:

NM_001144967.3(NEDD4L):c.156G>A (p.Ala52=)

Gene: NEDD4L (NEDD4 like E3 ubiquitin protein ligase; plus strand). Cytogenetic location: 18q21.31.
Variant type: single nucleotide variant.
Coding change: c.156G>A on transcript NM_001144967.3 (MANE Select); coding-DNA position 156, G replaced by A.
Protein change: p.Ala52=; no amino-acid change (alanine 52 retained).
Molecular consequence: synonymous variant. On other transcripts: 5 prime UTR variant (5).
Genome position (GRCh38, 1-based): chr18:58,245,460, G>A. VCF-style: chr18-58245460-G-A. GRCh37 (hg19) VCF-style: chr18-55912692-G-A.
Other names: c.-208G>A (NM_001144964.1, NM_001144965.2, NM_001144966.3 and 2 more transcripts); c.132G>A, p.Ala44= (NM_001144968.2, NM_001144969.2); c.156G>A, p.Ala52= (NM_001243960.2, NM_015277.6); c.156G>A (NM_015277.5).
Identifiers: ClinVar variation 2161477 (VCV002161477.5), dbSNP rs780349353, ClinGen allele CA8975244.
Genomic context (GRCh38, chr18:58,245,460, plus strand): 5'-TATTAAATCTAAAATATTTTCTTACAGTGATCCGTATGTGAAACTTTCATTGTACGTAGC[G>A]GATGAGAATAGAGAACTTGCTTTGGTCCAGACAAAAACAATTAAAAAGGTAGGTGTCGAT-3'
Protein context (NP_001138439.1, residues 42-62): DPYVKLSLYV[Ala52=]DENRELALVQ

ClinVar aggregate classification (germline): Likely benign. Review status: criteria provided, multiple submitters, no conflicts (2 of 4 stars). 2 submissions from 2 submitters: Likely benign (2). Last evaluated 2025-11-24.

Conditions:
NEDD4L-related disorder. Also called: NEDD4L-related condition.

Allele frequency attached by ClinVar (database versions not stated): gnomAD 0.00001; gnomAD exomes 0.00001; TOPMed 0.00006.
gnomAD v4.1: 17 of 1,582,376 alleles (0.0011%); highest among the groups gnomAD compares: African/African-American, 0.0054%; no homozygotes.

Submissions (2):

PreventionGenetics, part of Exact Sciences
Classification: Likely benign for NEDD4L-related condition. Last evaluated: 2025-11-24. Review status: criteria provided, single submitter. Criteria: ACMG Guidelines, 2015. Collection method: clinical testing. Allele origin: germline.
Comment: This variant is classified as likely benign based on ACMG/AMP sequence variant interpretation guidelines (Richards et al. 2015 PMID: 25741868, with internal and published modifications).

Labcorp Genetics (formerly Invitae), Labcorp
Classification: Likely benign. Last evaluated: 2025-11-12. Review status: criteria provided, single submitter. Criteria: Invitae Variant Classification Sherloc (09022015). Collection method: clinical testing. Allele origin: germline.